The following is an entry in ClinVar:

NM_006015.6(ARID1A):c.1362T>C (p.Tyr454=)

Gene: ARID1A (AT-rich interaction domain 1A; plus strand). Cytogenetic location: 1p36.11.
Variant type: single nucleotide variant.
Coding change: c.1362T>C on transcript NM_006015.6 (MANE Select); coding-DNA position 1362, T replaced by C.
Protein change: p.Tyr454=; no amino-acid change (tyrosine 454 retained).
Molecular consequence: synonymous variant.
Genome position (GRCh38, 1-based): chr1:26,731,163, T>C. VCF-style: chr1-26731163-T-C. GRCh37 (hg19) VCF-style: chr1-27057654-T-C.
Other names: c.1362T>C, p.Tyr454= (NM_139135.4).
Identifiers: ClinVar variation 2498397 (VCV002498397.28), dbSNP rs760085692, ClinGen allele CA706776.

ClinVar aggregate classification (germline): Likely benign (1 of 4 stars; one submission).

Allele frequency attached by ClinVar (database versions not stated): gnomAD exomes 0.00001; ExAC 0.00002; gnomAD 0.00003; TOPMed 0.00003.
gnomAD v4.1: 15 of 1,613,738 alleles (0.00093%); highest among the groups gnomAD compares: African/African-American, 0.0027%; no homozygotes.

Submission:

CeGaT Center for Human Genetics Tuebingen
Classification: Likely benign. Last evaluated: 2023-01-01. Review status: criteria provided, single submitter. Criteria: CeGaT Center For Human Genetics Tuebingen Variant Classification Criteria Version 2. Collection method: clinical testing. Allele origin: germline. Affected: yes. Observed: 1 variant allele.
Comment: ARID1A: BP4, BP7